The following is an entry in ClinVar:

NM_002474.3(MYH11):c.342A>T (p.Ile114=)

Gene: MYH11 (myosin heavy chain 11; minus strand). Cytogenetic location: 16p13.11.
Variant type: single nucleotide variant.
Coding change: c.342A>T on transcript NM_002474.3 (MANE Select); coding-DNA position 342, A replaced by T.
Protein change: p.Ile114=; no amino-acid change (isoleucine 114 retained).
Molecular consequence: synonymous variant.
Genome position (GRCh38, 1-based): chr16:15,837,911, T>A on the plus strand (A>T on the coding strand, the complement: MYH11 is on the minus strand). VCF-style: chr16-15837911-T-A. GRCh37 (hg19) VCF-style: chr16-15931768-T-A.
Other names: c.342A>T, p.Ile114= (NM_001040113.2, NM_001040114.2, NM_022844.3).
Identifiers: ClinVar variation 920188 (VCV000920188.17), dbSNP rs746783926, ClinGen allele CA7923092.
Genomic context (GRCh38, chr16:15,837,911, plus strand): 5'-AATGCCTACTTTCCTTATGAGGCCAGGAGTAGGTACCTGGCTGCCTGCAATACTCACATA[T>A]ATTAGCCCTGAGAAGTACCGCTCCCTCAGGTTGTGTAGCACGGAGGCTTCGTTGAGGCAC-3'
Protein context (NP_002465.1, residues 104-124): NLRERYFSGL[Ile114=]YTYSGLFCVV

ClinVar aggregate classification (germline): Likely benign. Review status: criteria provided, multiple submitters, no conflicts (2 of 4 stars). 7 submissions from 7 submitters: Likely benign (7). Last evaluated 2025-07-14.

Conditions:
Aortic aneurysm, familial thoracic 4 (AAT4). Also called: AORTIC ANEURYSM/AORTIC DISSECTION AND PATENT DUCTUS ARTERIOSUS. Identifiers: MedGen C1851504, MONDO:0007568, OMIM 132900.
Familial thoracic aortic aneurysm and aortic dissection (TAAD). Also called: Thoracic aortic aneurysms and dissections. Identifiers: Orphanet 91387, MedGen C4707243, MONDO:0019625.

Allele frequency attached by ClinVar (database versions not stated): gnomAD exomes below 0.00001 and 0.00001; ExAC 0.00001; TOPMed 0.00002; gnomAD 0.00003.
gnomAD v4.1: 26 of 1,613,672 alleles (0.0016%); highest among the groups gnomAD compares: Non-Finnish European, 0.002%; no homozygotes.

Submissions (7):

Labcorp Genetics (formerly Invitae), Labcorp
Classification: Likely benign for Aortic aneurysm, familial thoracic 4. Last evaluated: 2025-07-14. Review status: criteria provided, single submitter. Criteria: Invitae Variant Classification Sherloc (09022015). Collection method: clinical testing. Allele origin: germline.

Molecular Diagnostic Laboratory for Inherited Cardiovascular Disease, Montreal Heart Institute
Classification: Likely benign. Last evaluated: 2025-04-09. Review status: criteria provided, single submitter. Criteria: ACMG Guidelines, 2015. Collection method: clinical testing. Allele origin: germline. Affected: no.

Blueprint Genetics
Classification: Likely benign. Last evaluated: 2024-11-17. Review status: criteria provided, single submitter. Criteria: ACMG Guidelines, 2015. Collection method: clinical testing. Allele origin: germline.

All of Us Research Program, National Institutes of Health
Classification: Likely benign for Familial thoracic aortic aneurysm and aortic dissection. Last evaluated: 2023-12-13. Review status: criteria provided, single submitter. Criteria: ACMG Guidelines, 2015. Collection method: clinical testing. Allele origin: germline. Inheritance: Autosomal dominant inheritance. Observed: 4 variant alleles, 4 heterozygotes.
Comment: This study involves interpretation of variants in research participants for the purpose of population health screening. Participant phenotype was not available at the time of variant classification. Additional details can be found in publication PMID: 35346344, PMCID: PMC8962531

Color Diagnostics, LLC DBA Color Health
Classification: Likely benign for Familial thoracic aortic aneurysm and aortic dissection. Last evaluated: 2020-02-04. Review status: criteria provided, single submitter. Criteria: ACMG Guidelines, 2015. Collection method: clinical testing. Allele origin: germline.

Ambry Genetics
Classification: Likely benign for Familial thoracic aortic aneurysm and aortic dissection. Last evaluated: 2019-10-29. Review status: criteria provided, single submitter. Criteria: Ambry Variant Classification Scheme 2023. Collection method: clinical testing. Allele origin: germline.

GeneDx
Classification: Likely benign. Last evaluated: 2019-10-14. Review status: criteria provided, single submitter. Criteria: GeneDx Variant Classification Process June 2021. Collection method: clinical testing. Allele origin: germline. Affected: yes.